The following is an entry in ClinVar:

ClinVar aggregate classification (germline): Uncertain significance. Review status: criteria provided, multiple submitters, no conflicts (2 of 4 stars). 2 submissions from 2 submitters: Uncertain significance (2). Last evaluated 2025-09-19.

Conditions:
Hereditary cancer-predisposing syndrome. Also called: Neoplastic Syndromes, Hereditary; Tumor predisposition; Hereditary neoplastic syndrome; Hereditary Cancer Syndrome. Identifiers: Orphanet 140162, MedGen C0027672, MeSH D009386, MONDO:0015356.
Gastrointestinal stromal tumor. Also called: Gastrointestinal stromal tumor, somatic; Gastrointestinal stroma tumor. Identifiers: Orphanet 44890, MedGen C0238198, MeSH D046152, MONDO:0011719, OMIM 606764, HP:0100723.

Allele frequency attached by ClinVar (database versions not stated): gnomAD exomes below 0.00001; ExAC 0.00001.
gnomAD v4.1: 2 of 1,612,516 alleles (0.00012%); highest among the groups gnomAD compares: Non-Finnish European, 0.00017%; no homozygotes.

Submissions (2):

Ambry Genetics
Classification: Uncertain significance for Hereditary cancer-predisposing syndrome. Last evaluated: 2025-09-19. Review status: criteria provided, single submitter. Criteria: Ambry Variant Classification Scheme 2023. Collection method: clinical testing. Allele origin: germline.
Comment: The p.N512K variant (also known as c.1536C>G), located in coding exon 9 of the KIT gene, results from a C to G substitution at nucleotide position 1536. The asparagine at codon 512 is replaced by lysine, an amino acid with similar properties. This amino acid position is conserved. In addition, this alteration is predicted to be tolerated by in silico analysis. Based on the available evidence, the clinical significance of this variant remains unclear.

Labcorp Genetics (formerly Invitae), Labcorp
Classification: Uncertain significance for Gastrointestinal stromal tumor. Last evaluated: 2025-08-25. Review status: criteria provided, single submitter. Criteria: Invitae Variant Classification Sherloc (09022015). Collection method: clinical testing. Allele origin: germline.
Comment: This sequence change replaces asparagine, which is neutral and polar, with lysine, which is basic and polar, at codon 512 of the KIT protein (p.Asn512Lys). This variant is present in population databases (rs771735131, gnomAD 0.0009%). This variant has not been reported in the literature in individuals affected with KIT-related conditions. ClinVar contains an entry for this variant (Variation ID: 2904768). An algorithm developed to predict the effect of missense changes on protein structure and function (PolyPhen-2) suggests that this variant is likely to be tolerated. In summary, the available evidence is currently insufficient to determine the role of this variant in disease. Therefore, it has been classified as a Variant of Uncertain Significance.

NM_000222.3(KIT):c.1536C>G (p.Asn512Lys)

Gene: KIT (KIT proto-oncogene, receptor tyrosine kinase; plus strand). Cytogenetic location: 4q12.
Variant type: single nucleotide variant.
Coding change: c.1536C>G on transcript NM_000222.3 (MANE Select); coding-DNA position 1536, C replaced by G.
Protein change: p.Asn512Lys; replaces asparagine 512 with lysine.
Molecular consequence: missense variant. On other transcripts: intron variant (4).
Genome position (GRCh38, 1-based): chr4:54,726,046, C>G. VCF-style: chr4-54726046-C-G. GRCh37 (hg19) VCF-style: chr4-55592212-C-G.
Other names: c.1539C>G, p.Asn513Lys (NM_001385284.1, NM_001385290.1); c.1536C>G, p.Asn512Lys (NM_001385285.1); c.1531+8C>G (NM_001385288.1, NM_001385292.1); c.1528+8C>G (NM_001093772.2, NM_001385286.1); short protein forms N513K, N512K.
Identifiers: ClinVar variation 2904768 (VCV002904768.3), dbSNP rs771735131, ClinGen allele CA2923501.